The following is an entry in ClinVar:

NM_001347721.2(DYRK1A):c.1015G>A (p.Gly339Arg)

Gene: DYRK1A (dual specificity tyrosine phosphorylation regulated kinase 1A; plus strand). Cytogenetic location: 21q22.13.
Variant type: single nucleotide variant.
Coding change: c.1015G>A on transcript NM_001347721.2 (MANE Select); coding-DNA position 1015, G replaced by A.
Protein change: p.Gly339Arg; replaces glycine 339 with arginine.
Molecular consequence: missense variant.
Genome position (GRCh38, 1-based): chr21:37,493,107, G>A. VCF-style: chr21-37493107-G-A. GRCh37 (hg19) VCF-style: chr21-38865409-G-A.
Other names: c.1015G>A, p.Gly339Arg (NM_001347722.2, NM_130436.2); c.928G>A, p.Gly310Arg (NM_001347723.2); c.1042G>A, p.Gly348Arg (NM_001396.5, NM_101395.2, NM_130438.2); short protein forms G310R, G339R, G348R.
Identifiers: ClinVar variation 1098405 (VCV001098405.7), dbSNP rs2053152079, ClinGen allele CA409936561.

ClinVar aggregate classification (germline): Conflicting classifications of pathogenicity. Review status: criteria provided, conflicting classifications (1 of 4 stars). 5 submissions from 5 submitters: Pathogenic (1); Likely pathogenic (3); Uncertain significance (1). Last evaluated 2026-08-01.

Conditions:
DYRK1A-related intellectual disability syndrome (MRD7). Also called: Intellectual developmental disorder, autosomal dominant 7; DYRK1A Syndrome. Identifiers: Orphanet 464306, MedGen C5568143, MONDO:0013578, OMIM 614104.
Intellectual disability. Also called: intellectual disabilities; Intellectual functioning disability; Intellectual developmental disorder. Identifiers: MedGen C3714756, MeSH D008607, MONDO:0001071, HP:0001249.

Submissions (5):

CeGaT Center for Human Genetics Tuebingen
Classification: Likely pathogenic. Last evaluated: 2026-08-01. Review status: criteria provided, single submitter. Criteria: CeGaT Center For Human Genetics Tuebingen Variant Classification Criteria Version 2. Collection method: clinical testing. Allele origin: germline. Affected: yes. Observed: 1 variant allele.
Comment: DYRK1A: PM2, PS2:Moderate, PS4:Moderate, PM5:Supporting, PP2, PP3

Dubai Health Genomic Medicine Center, Dubai Health
Classification: Likely pathogenic for Intellectual developmental disorder. Last evaluated: 2024-10-04. Review status: criteria provided, single submitter. Criteria: ACMG Guidelines, 2015. Collection method: research. Allele origin: germline. Affected: yes.
Comment: PM6,PM2,PP3,PM5

Labcorp Genetics (formerly Invitae), Labcorp
Classification: Uncertain significance for DYRK1A-related intellectual disability syndrome. Last evaluated: 2024-04-17. Review status: criteria provided, single submitter. Criteria: Invitae Variant Classification Sherloc (09022015). Collection method: clinical testing. Allele origin: germline.
Comment: This sequence change replaces glycine, which is neutral and non-polar, with arginine, which is basic and polar, at codon 348 of the DYRK1A protein (p.Gly348Arg). This variant is not present in population databases (gnomAD no frequency). This missense change has been observed in individuals with clinical features of DYRK1A-related conditions (PMID: 31164858, 34374989; Invitae). ClinVar contains an entry for this variant (Variation ID: 1098405). Advanced modeling of protein sequence and biophysical properties (such as structural, functional, and spatial information, amino acid conservation, physicochemical variation, residue mobility, and thermodynamic stability) performed at Invitae indicates that this missense variant is expected to disrupt DYRK1A protein function with a positive predictive value of 80%. In summary, the available evidence is currently insufficient to determine the role of this variant in disease. Therefore, it has been classified as a Variant of Uncertain Significance.

Mendelics
Classification: Pathogenic for DYRK1A-related intellectual disability syndrome. Last evaluated: 2022-05-04. Review status: criteria provided, single submitter. Criteria: Mendelics Assertion Criteria 2019. Collection method: clinical testing. Allele origin: germline.

Genetics Laboratory, UDIAT-Centre Diagnòstic, Hospital Universitari Parc Tauli
Classification: Likely pathogenic. Last evaluated: 2021-04-26. Review status: criteria provided, single submitter. Criteria: Parc Tauli Hospital Assertion Criteria 2021. Collection method: clinical testing. Allele origin: de novo. Inheritance: Autosomal dominant inheritance. Affected: yes. Observed: 1 heterozygote.
Comment: PM1_moderate;PM2_supporting;PM5_moderate;PM6_moderate;PP2_supporting;PP3_supporting

Literature cited by the submitters: PubMed 31164858 (cited by Labcorp Genetics (formerly Invitae), Labcorp); PubMed 34374989 (cited by Labcorp Genetics (formerly Invitae), Labcorp).